The following is an entry in ClinVar:

NM_014159.7(SETD2):c.2030C>T (p.Pro677Leu)

Gene: SETD2 (SET domain containing 2, histone lysine methyltransferase; minus strand). Cytogenetic location: 3p21.31.
Variant type: single nucleotide variant.
Coding change: c.2030C>T on transcript NM_014159.7 (MANE Select); coding-DNA position 2030, C replaced by T.
Protein change: p.Pro677Leu; replaces proline 677 with leucine.
Molecular consequence: missense variant. On other transcripts: non-coding transcript variant (1).
Genome position (GRCh38, 1-based): chr3:47,122,606, G>A on the plus strand (C>T on the coding strand, the complement: SETD2 is on the minus strand). VCF-style: chr3-47122606-G-A. GRCh37 (hg19) VCF-style: chr3-47164096-G-A.
Other names: c.1898C>T, p.Pro633Leu (NM_001349370.3); short protein forms P677L, P633L.
Identifiers: ClinVar variation 1027830 (VCV001027830.2), dbSNP rs766229574, ClinGen allele CA352528123.

ClinVar aggregate classification (germline): Uncertain significance. Review status: criteria provided, multiple submitters, no conflicts (2 of 4 stars). 2 submissions from 2 submitters: Uncertain significance (2). Last evaluated 2025-02-08.

Conditions:
Inborn genetic diseases. Identifiers: MedGen C0950123, MeSH D030342.
Luscan-Lumish syndrome. Identifiers: Orphanet 597738, MedGen C4085873, MONDO:0014791, OMIM 616831.

Allele frequency attached by ClinVar (database versions not stated): TOPMed 0.00002.
gnomAD v4.1: 5 of 1,613,982 alleles (0.00031%); highest among the groups gnomAD compares: African/African-American, 0.0013%; no homozygotes.

Submissions (2):

Ambry Genetics
Classification: Uncertain significance for Inborn genetic diseases. Last evaluated: 2025-02-08. Review status: criteria provided, single submitter. Criteria: Ambry Variant Classification Scheme 2023. Collection method: clinical testing. Allele origin: germline.

Baylor Genetics
Classification: Uncertain significance for Luscan-Lumish syndrome. Last evaluated: 2019-10-12. Review status: criteria provided, single submitter. Criteria: ACMG Guidelines, 2015. Collection method: clinical testing. Allele origin: unknown. Affected: yes.
Comment: This variant was determined to be of uncertain significance according to ACMG Guidelines, 2015 [PMID:25741868].